The following is an entry in ClinVar:

ClinVar aggregate classification (germline): Pathogenic/Likely pathogenic. Review status: criteria provided, multiple submitters, no conflicts (2 of 4 stars). 2 submissions from 2 submitters: Pathogenic (1); Likely pathogenic (1). Last evaluated 2020-09-09.

Conditions:
ABCA4-related disorder. Also called: ABCA4-related disorders; ABCA4-related condition. Identifiers: MedGen CN239167.

Submissions (2):

Labcorp Genetics (formerly Invitae), Labcorp
Classification: Pathogenic. Last evaluated: 2020-09-09. Review status: criteria provided, single submitter. Criteria: Invitae Variant Classification Sherloc (09022015). Collection method: clinical testing. Allele origin: germline.
Comment: For these reasons, this variant has been classified as Pathogenic. Loss-of-function variants in ABCA4 are known to be pathogenic (PMID: 10958761, 24938718, 25312043, 26780318). This variant has not been reported in the literature in individuals with ABCA4-related conditions. ClinVar contains an entry for this variant (Variation ID: 942605). This variant is not present in population databases (ExAC no frequency). This sequence change creates a premature translational stop signal (p.Arg2106Profs*9) in the ABCA4 gene. It is expected to result in an absent or disrupted protein product.

Blueprint Genetics
Classification: Likely pathogenic for ABCA4-related disorders. Last evaluated: 2020-07-21. Review status: criteria provided, single submitter. Criteria: ACMG Guidelines, 2015. Collection method: clinical testing. Allele origin: germline. Affected: yes. Observed: 1 variant allele.

Literature cited by the submitters: PubMed 10958761 (cited by Labcorp Genetics (formerly Invitae), Labcorp); PubMed 24938718 (cited by Labcorp Genetics (formerly Invitae), Labcorp); PubMed 25312043 (cited by Labcorp Genetics (formerly Invitae), Labcorp); PubMed 26780318 (cited by Labcorp Genetics (formerly Invitae), Labcorp).

NM_000350.3(ABCA4):c.6317del (p.Arg2106fs)

Gene: ABCA4 (ATP binding cassette subfamily A member 4; minus strand). Cytogenetic location: 1p22.1.
Variant type: Deletion.
Coding change: c.6317del on transcript NM_000350.3 (MANE Select); coding-DNA position 6317, one base deleted (G; older notation c.6317delG).
Protein change: p.Arg2106fs; shifts the reading frame from arginine 2106.
Molecular consequence: frameshift variant.
Genome position (GRCh38, 1-based): chr1:94,001,071, C deleted on the plus strand (G on the coding strand, the reverse complement: ABCA4 is on the minus strand). VCF-style (leftmost placement, unchanged base first): chr1-94001070-GC-G. GRCh37 (hg19) VCF-style: chr1-94466626-GC-G.
Other names: c.6095delG, p.Arg2032Profs (NM_001425324.1); short protein forms R2106fs.
Identifiers: ClinVar variation 942605 (VCV000942605.8), dbSNP rs1659160781, ClinGen allele CA1139656184.
Genomic context (GRCh38, chr1:94,001,070, plus strand): 5'-TGTGAGGACCACAGCCCTCCCTTCTCTGATGATGCTCACGATGACGTTCCACAGCATGCG[GC>G]GTGCCTGGGGGTCCATCCCTGTGGTGGGCTCATCCTGGGGGGTGGAGAGAAGGTTGGGGG-3'